The following is an entry in ClinVar:

ClinVar aggregate classification (germline): Pathogenic (1 of 4 stars; one submission).

Conditions:
Charcot-Marie-Tooth disease type 2E (CMT2E). Also called: CHARCOT-MARIE-TOOTH NEUROPATHY, TYPE 2E; CHARCOT-MARIE-TOOTH DISEASE, AXONAL, TYPE 2E. Identifiers: Orphanet 99939, MedGen C1843225, MONDO:0011894, OMIM 607684.

Submission:

Labcorp Genetics (formerly Invitae), Labcorp
Classification: Pathogenic for Charcot-Marie-Tooth disease type 2E. Last evaluated: 2024-05-16. Review status: criteria provided, single submitter. Criteria: Invitae Variant Classification Sherloc (09022015). Collection method: clinical testing. Allele origin: germline.
Comment: This sequence change creates a premature translational stop signal (p.Tyr240*) in the NEFL gene. It is expected to result in an absent or disrupted protein product. Loss-of-function variants in NEFL are known to be pathogenic (PMID: 19158810, 20039262). This variant is not present in population databases (gnomAD no frequency). This variant has not been reported in the literature in individuals affected with NEFL-related conditions. For these reasons, this variant has been classified as Pathogenic.

Literature cited by the submitters: PubMed 19158810; PubMed 20039262.

NM_006158.5(NEFL):c.720C>G (p.Tyr240Ter)

Gene: NEFL (neurofilament light chain; minus strand). Cytogenetic location: 8p21.2.
Variant type: single nucleotide variant.
Coding change: c.720C>G on transcript NM_006158.5 (MANE Select); coding-DNA position 720, C replaced by G.
Protein change: p.Tyr240Ter; replaces tyrosine 240 with a stop codon.
Molecular consequence: nonsense.
Genome position (GRCh38, 1-based): chr8:24,955,796, G>C on the plus strand (C>G on the coding strand, the complement: NEFL is on the minus strand). VCF-style: chr8-24955796-G-C. GRCh37 (hg19) VCF-style: chr8-24813310-G-C.
Other names: short protein forms Y240*.
Identifiers: ClinVar variation 3647897 (VCV003647897.2).